The following is an entry in ClinVar:

NM_000088.4(COL1A1):c.3893C>A (p.Thr1298Asn)

Gene: COL1A1 (collagen type I alpha 1 chain; minus strand). Cytogenetic location: 17q21.33.
Variant type: single nucleotide variant.
Coding change: c.3893C>A on transcript NM_000088.4 (MANE Select); coding-DNA position 3893, C replaced by A.
Protein change: p.Thr1298Asn; replaces threonine 1298 with asparagine.
Molecular consequence: missense variant.
Genome position (GRCh38, 1-based): chr17:50,186,429, G>T on the plus strand (C>A on the coding strand, the complement: COL1A1 is on the minus strand). VCF-style: chr17-50186429-G-T. GRCh37 (hg19) VCF-style: chr17-48263790-G-T.
Other names: short protein forms T1298N.
Identifiers: ClinVar variation 456782 (VCV000456782.7), dbSNP rs1555571755, ClinGen allele CA400193618.
Genomic context (GRCh38, chr17:50,186,429, plus strand): 5'-GGGTTCTTGCTGATGTACCAGTTCTTCTGGGCCACACTGGGCTGAGTGGGGTACACGCAG[G>T]TCTCACCAGTCTCCATGTTGCAGAAGACTTTGATGGCATCCAGGTTGCAGCCTTGGTTGG-3'
Protein context (NP_000079.2, residues 1288-1308): KVFCNMETGE[Thr1298Asn]CVYPTQPSVA

ClinVar aggregate classification (germline): Pathogenic/Likely pathogenic. Review status: criteria provided, multiple submitters, no conflicts (2 of 4 stars). 2 submissions from 2 submitters: Pathogenic (1); Likely pathogenic (1). Last evaluated 2024-10-23.

Conditions:
Infantile cortical hyperostosis. Also called: Caffey Disease; P1PK BLOOD GROUP SYSTEM, P(2) PHENOTYPE; Hyperostosis, Cortical, Congenital. Identifiers: Orphanet 1310, MedGen C0020497, MONDO:0007244, OMIM 114000.
Osteogenesis imperfecta, perinatal lethal (OI2). Also called: OI, TYPE II; OSTEOGENESIS IMPERFECTA CONGENITA; VROLIK TYPE OF OSTEOGENESIS IMPERFECTA; OSTEOGENESIS IMPERFECTA, TYPE II; Osteogenesis imperfecta type 2; Osteogenesis imperfecta, dominant perinatal lethal. Identifiers: Orphanet 216804, MedGen C0268358, MONDO:0008147, OMIM 166210.
Osteogenesis imperfecta with normal sclerae, dominant form (OI4). Also called: OSTEOGENESIS IMPERFECTA WITH NORMAL SCLERAE; Osteogenesis imperfecta type 4; OSTEOGENESIS IMPERFECTA, TYPE IV, WITH DENTINOGENESIS IMPERFECTA; Osteogenesis Imperfecta Type IV; Common Variable Osteogenesis Imperfecta with Normal Sclerae. Identifiers: Orphanet 216820, Orphanet 666, MedGen C0268363, MONDO:0008148, OMIM 166220.
Osteogenesis imperfecta type III (OI3). Also called: Osteogenesis imperfecta type 3; OI type 3; Osteogenesis imperfecta, progressively deforming with normal sclerae; OI type III; Progressively Deforming Osteogenesis Imperfecta. Identifiers: Orphanet 216812, Orphanet 666, MedGen C0268362, MONDO:0009804, OMIM 259420.
Ehlers-Danlos syndrome, arthrochalasia type. Also called: EDS VII, MUTANT PROCOLLAGEN TYPE; EDS VIIA; ARTHROCHALASIS MULTIPLEX CONGENITA; Ehlers-Danlos syndrome, arthrochalasis type; Ehlers-Danlos syndrome, arthrochalasia type, 1. Identifiers: Orphanet 1899, Orphanet 99875, Orphanet 99876, MedGen C4551623, MONDO:0007525, OMIM 130060.
Osteoporosis. Identifiers: MedGen C0029456, MONDO:0005298, OMIM 166710, HP:0000939.
Osteogenesis imperfecta type I (OI1). Also called: OI, TYPE I; OSTEOGENESIS IMPERFECTA TARDA; OSTEOGENESIS IMPERFECTA WITH BLUE SCLERAE; Osteogenesis imperfecta type 1; Lobstein's Disease; Lobstein disease. Identifiers: Orphanet 216796, Orphanet 666, MedGen C0023931, MONDO:0008146, OMIM 166200. Disease mechanism: loss of function.
Combined osteogenesis imperfecta and Ehlers-Danlos syndrome 1. Also called: OIEDS SYNDROME 1. Identifiers: MedGen C5436842, MONDO:0030854, OMIM 619115.

Submissions (2):

Labcorp Genetics (formerly Invitae), Labcorp
Classification: Pathogenic for Osteogenesis imperfecta type I. Last evaluated: 2024-10-23. Review status: criteria provided, single submitter. Criteria: Invitae Variant Classification Sherloc (09022015). Collection method: clinical testing. Allele origin: germline.
Comment: This sequence change replaces threonine, which is neutral and polar, with asparagine, which is neutral and polar, at codon 1298 of the COL1A1 protein (p.Thr1298Asn). This variant is not present in population databases (gnomAD no frequency). This missense change has been observed in individual(s) with osteogenesis imperfecta type IV (PMID: 24147872; internal data). In at least one individual the variant was observed to be de novo. ClinVar contains an entry for this variant (Variation ID: 456782). Invitae Evidence Modeling of protein sequence and biophysical properties (such as structural, functional, and spatial information, amino acid conservation, physicochemical variation, residue mobility, and thermodynamic stability) has been performed for this missense variant. However, the output from this modeling did not meet the statistical confidence thresholds required to predict the impact of this variant on COL1A1 protein function. For these reasons, this variant has been classified as Pathogenic.

Fulgent Genetics
Classification: Likely pathogenic for Infantile cortical hyperostosis; Ehlers-Danlos syndrome, arthrochalasia type; Osteogenesis imperfecta type I; Osteogenesis imperfecta, perinatal lethal; Osteogenesis imperfecta with normal sclerae, dominant form; Osteoporosis; Osteogenesis imperfecta type III; Combined osteogenesis imperfecta and Ehlers-Danlos syndrome 1. Last evaluated: 2024-05-09. Review status: criteria provided, single submitter. Criteria: ACMG Guidelines, 2015. Collection method: clinical testing. Allele origin: germline.

Literature cited by the submitters: PubMed 24147872 (cited by Labcorp Genetics (formerly Invitae), Labcorp).